The following is an entry in ClinVar:

ClinVar aggregate classification (germline): Likely benign. Review status: criteria provided, multiple submitters, no conflicts (2 of 4 stars). 2 submissions from 2 submitters: Likely benign (2). Last evaluated 2024-08-21.

Allele frequency attached by ClinVar (database versions not stated): gnomAD exomes below 0.00001; TOPMed 0.00002.
gnomAD v4.1: 2 of 1,613,720 alleles (0.00012%); highest among the groups gnomAD compares: East Asian, 0.0022%; no homozygotes.

Submissions (2):

Labcorp Genetics (formerly Invitae), Labcorp
Classification: Likely benign. Last evaluated: 2024-08-21. Review status: criteria provided, single submitter. Criteria: Invitae Variant Classification Sherloc (09022015). Collection method: clinical testing. Allele origin: germline.

Laboratory for Molecular Medicine, Mass General Brigham Personalized Medicine
Classification: Likely benign. Last evaluated: 2014-02-07. Review status: criteria provided, single submitter. Criteria: LMM Criteria. Collection method: clinical testing. Allele origin: germline. Observed: 1 variant allele.
Comment: 590+13G>A in Intron 4 of MYH14: This variant is not expected to have clinical si gnificance because it is not located within the splice consensus sequence and is not predicted to impact splicing.

NM_001145809.2(MYH14):c.590+13G>A

Gene: MYH14 (myosin heavy chain 14; plus strand). Cytogenetic location: 19q13.33.
Variant type: single nucleotide variant.
Coding change: c.590+13G>A on transcript NM_001145809.2 (MANE Select); 13 bases into the intron after coding-DNA position 590, G replaced by A.
Molecular consequence: intron variant.
Genome position (GRCh38, 1-based): chr19:50,223,123, G>A. VCF-style: chr19-50223123-G-A. GRCh37 (hg19) VCF-style: chr19-50726380-G-A.
Other names: c.590+13G>A (NM_001077186.2, NM_024729.4).
Identifiers: ClinVar variation 179563 (VCV000179563.6), dbSNP rs727504954, ClinGen allele CA184673.